The following is an entry in ClinVar:

ClinVar aggregate classification (germline): Pathogenic (1 of 4 stars; one submission).

Submission:

Athena Diagnostics
Classification: Pathogenic. Last evaluated: 2021-07-30. Review status: criteria provided, single submitter. Criteria: Athena Diagnostics Criteria. Collection method: clinical testing. Allele origin: unknown.
Comment: This variant is expected to result in the loss of a functional protein. This variant has not been reported in large, multi-ethnic general populations. This variant has been identified in at least one individual with clinical features associated with this gene.

NM_000548.5(TSC2):c.2362_2363dup (p.Met788fs)

Gene: TSC2 (TSC complex subunit 2; plus strand). Cytogenetic location: 16p13.3.
Variant type: Duplication.
Coding change: c.2362_2363dup on transcript NM_000548.5 (MANE Select); coding-DNA positions 2362 to 2363, 2 bases duplicated (AT; older notation c.2362_2363dupAT).
Protein change: p.Met788fs; shifts the reading frame from methionine 788.
Molecular consequence: frameshift variant.
Genome position (GRCh38, 1-based): chr16:2,074,206-2,074,207, AT duplicated. VCF-style (leftmost placement, unchanged base first): chr16-2074205-G-GAT. GRCh37 (hg19) VCF-style: chr16-2124206-G-GAT.
Other names: c.2362_2363dup, p.Met788fs (NM_001077183.3, NM_001114382.3, NM_001363528.2 and 3 more transcripts); c.2251_2252dup, p.Met751fs (NM_001318827.2); c.2215_2216dup, p.Met739fs (NM_001318829.2); c.1762_1763dup, p.Met588fs (NM_001318831.2); c.2395_2396dup, p.Met799fs (NM_001318832.2); short protein forms M588fs, M739fs, M751fs, M788fs, M799fs.
Identifiers: ClinVar variation 1256578 (VCV001256578.2), dbSNP rs2151346636, ClinGen allele CA2499223301.